The following is an entry in ClinVar:

NC_000006.11:g.(?_51586774)_(51752053_?)del

Gene: PKHD1 (PKHD1 ciliary IPT domain containing fibrocystin/polyductin; minus strand). Cytogenetic location: 6p12.3.
Variant type: Deletion.
Identifiers: ClinVar variation 2427252 (VCV002427252.5).

ClinVar aggregate classification (germline): Pathogenic (1 of 4 stars; one submission).

Conditions:
Autosomal recessive polycystic kidney disease (ARPKD). Also called: AR polycystic kidney disease. Identifiers: Orphanet 731, Orphanet 8378, MedGen C0085548, MeSH D017044, MONDO:0009889.

Submission:

Labcorp Genetics (formerly Invitae), Labcorp
Classification: Pathogenic for Autosomal recessive polycystic kidney disease. Last evaluated: 2022-03-26. Review status: criteria provided, single submitter. Criteria: Invitae Variant Classification Sherloc (09022015). Collection method: clinical testing. Allele origin: germline.
Comment: For these reasons, this variant has been classified as Pathogenic. This variant has not been reported in the literature in individuals affected with PKHD1-related conditions. This variant is a gross deletion of the genomic region encompassing exon(s) 44-60 of the PKHD1 gene. This deletion is out-of-frame, and is expected to create a premature termination codon and result in an absent or disrupted protein product. Loss-of-function variants in PKHD1 are known to be pathogenic (PMID: 19940839).

Literature cited by the submitters: PubMed 19940839.